The following is an entry in ClinVar:

NM_153240.5(NPHP3):c.409dup (p.Tyr137fs)

Genes: NPHP3 (nephrocystin 3; minus strand), NPHP3-ACAD11 (NPHP3-ACAD11 readthrough (NMD candidate); minus strand). Cytogenetic location: 3q22.1.
Variant type: Duplication.
Coding change: c.409dup on transcript NM_153240.5 (MANE Select); coding-DNA position 409, one base duplicated (T; older notation c.409dupT).
Protein change: p.Tyr137fs; shifts the reading frame from tyrosine 137.
Molecular consequence: frameshift variant. On other transcripts: non-coding transcript variant (1).
Genome position (GRCh38, 1-based): chr3:132,719,815, A duplicated on the plus strand (T on the coding strand, the reverse complement: NPHP3 is on the minus strand). VCF-style (leftmost placement, unchanged base first): chr3-132719814-T-TA. GRCh37 (hg19) VCF-style: chr3-132438658-T-TA.
Other names: short protein forms Y137fs.
Identifiers: ClinVar variation 3672504 (VCV003672504.2).
Genomic context (GRCh38, chr3:132,719,814, plus strand): 5'-CTCTCCATTGCTTGGTATTTCGCTTCTAAAGCACTTTCTTTTTCTCGAAGTATCTTCTGA[T>TA]ACGTTTTTTGAAGTGCCTAGAATAATTTACCTTGTTATTTCCTAACAAAAATAGTCTTGC-3'

ClinVar aggregate classification (germline): Pathogenic (1 of 4 stars; one submission).

Conditions:
Nephronophthisis. Also called: Juvenile Nephronophthisis. Identifiers: Orphanet 655, MedGen C0687120, MONDO:0019005, HP:0000090.

Submission:

Labcorp Genetics (formerly Invitae), Labcorp
Classification: Pathogenic for Nephronophthisis. Last evaluated: 2025-02-11. Review status: criteria provided, single submitter. Criteria: Invitae Variant Classification Sherloc (09022015). Collection method: clinical testing. Allele origin: germline.
Comment: This sequence change creates a premature translational stop signal (p.Tyr137Leufs*26) in the NPHP3 gene. It is expected to result in an absent or disrupted protein product. Loss-of-function variants in NPHP3 are known to be pathogenic (PMID: 18371931, 23559409). This variant is not present in population databases (gnomAD no frequency). This variant has not been reported in the literature in individuals affected with NPHP3-related conditions. For these reasons, this variant has been classified as Pathogenic.

Literature cited by the submitters: PubMed 18371931; PubMed 23559409.